The following is an entry in ClinVar:

NM_000064.4(C3):c.3860C>A (p.Pro1287His)

Gene: C3 (complement C3; minus strand). Cytogenetic location: 19p13.3.
Variant type: single nucleotide variant.
Coding change: c.3860C>A on transcript NM_000064.4 (MANE Select); coding-DNA position 3860, C replaced by A.
Protein change: p.Pro1287His; replaces proline 1287 with histidine.
Molecular consequence: missense variant.
Genome position (GRCh38, 1-based): chr19:6,685,097, G>T on the plus strand (C>A on the coding strand, the complement: C3 is on the minus strand). VCF-style: chr19-6685097-G-T. GRCh37 (hg19) VCF-style: chr19-6685108-G-T.
Other names: short protein forms P1287H.
Identifiers: ClinVar variation 4747641 (VCV004747641.1).
Genomic context (GRCh38, chr19:6,685,097, plus strand): 5'-ATCTTGGAGCTGCGGCTGGGCAGTTGGAGGGACACATCAAGGTTCAGTTCCTGGTGGTCA[G>T]GGGCGTCCTTTTGGTATTGAGCCAAGGCTTGGAACACCATGAAGGTGGCCTAGAACCCAC-3'
Protein context (NP_000055.2, residues 1277-1297): QALAQYQKDA[Pro1287His]DHQELNLDVS

ClinVar aggregate classification (germline): Uncertain significance (1 of 4 stars; one submission).

gnomAD v4.1: 1 of 1,614,090 alleles (0.000062%); highest among the groups gnomAD compares: East Asian, 0.0022%; no homozygotes.

Submission:

Labcorp Genetics (formerly Invitae), Labcorp
Classification: Uncertain significance. Last evaluated: 2025-09-22. Review status: criteria provided, single submitter. Criteria: Invitae Variant Classification Sherloc (09022015). Collection method: clinical testing. Allele origin: germline.
Comment: This sequence change replaces proline, which is neutral and non-polar, with histidine, which is basic and polar, at codon 1287 of the C3 protein (p.Pro1287His). This variant is present in population databases (rs780373381, gnomAD 0.006%). This variant has not been reported in the literature in individuals affected with C3-related conditions. Invitae Evidence Modeling of protein sequence and biophysical properties (such as structural, functional, and spatial information, amino acid conservation, physicochemical variation, residue mobility, and thermodynamic stability) indicates that this missense variant is not expected to disrupt C3 protein function with a negative predictive value of 80%. In summary, the available evidence is currently insufficient to determine the role of this variant in disease. Therefore, it has been classified as a Variant of Uncertain Significance.